The following is an entry in ClinVar:

NM_007078.3(LDB3):c.322-156T>C

Gene: LDB3 (LIM domain binding 3; plus strand). Cytogenetic location: 10q23.2.
Variant type: single nucleotide variant.
Coding change: c.322-156T>C on transcript NM_007078.3 (MANE Select); 156 bases into the intron before coding-DNA position 322, T replaced by C.
Molecular consequence: intron variant.
Genome position (GRCh38, 1-based): chr10:86,681,280, T>C. VCF-style: chr10-86681280-T-C. GRCh37 (hg19) VCF-style: chr10-88441037-T-C.
Other names: c.322-156T>C (NM_001368064.1, NM_001368063.1, NM_001171610.2 and 3 more transcripts); c.321+1123T>C (NM_001368068.1, NM_001368066.1, NM_001080114.2 and 2 more transcripts).
Identifiers: ClinVar variation 674584 (VCV000674584.2), dbSNP rs117975031, ClinGen allele CA13163697.

ClinVar aggregate classification (germline): Benign. Review status: criteria provided, multiple submitters, no conflicts (2 of 4 stars). 2 submissions from 2 submitters: Benign (2). Last evaluated 2018-06-14.

Allele frequency attached by ClinVar (database versions not stated): gnomAD 0.03485 and 0.03557; 1000 Genomes Project 0.04014; 1000 Genomes Project 30x 0.04107; TOPMed 0.04177.
gnomAD v4.1: 5,444 of 152,384 alleles (3.6%); highest among the groups gnomAD compares: Admixed American, 12%; 212 homozygotes.

Submissions (2):

GeneDx
Classification: Benign. Last evaluated: 2018-06-14. Review status: criteria provided, single submitter. Criteria: GeneDx Variant Classification (06012015). Collection method: clinical testing. Allele origin: germline. Affected: yes.
Comment: This variant is considered likely benign or benign based on one or more of the following criteria: it is a conservative change, it occurs at a poorly conserved position in the protein, it is predicted to be benign by multiple in silico algorithms, and/or has population frequency not consistent with disease.

Breakthrough Genomics
Classification: Benign. Review status: criteria provided, single submitter. Criteria: ACMG Guidelines, 2015. Collection method: not provided. Allele origin: germline. Inheritance: Autosomal dominant inheritance. Affected: yes.